The following is an entry in ClinVar:

ClinVar aggregate classification (germline): Uncertain significance. Review status: criteria provided, multiple submitters, no conflicts (2 of 4 stars). 3 submissions from 3 submitters: Uncertain significance (3). Last evaluated 2025-11-04.

Conditions:
Familial thoracic aortic aneurysm and aortic dissection (TAAD). Also called: Thoracic aortic aneurysms and dissections. Identifiers: Orphanet 91387, MedGen C4707243, MONDO:0019625.
Aortic aneurysm, familial thoracic 7 (AAT7). Also called: AORTIC DISSECTION, FAMILIAL, WITH OR WITHOUT AORTIC ANEURYSM. Identifiers: MedGen C3151077, MONDO:0013418, OMIM 613780.

Allele frequency attached by ClinVar (database versions not stated): ExAC 0.00001; gnomAD 0.00001; gnomAD exomes 0.00001; TOPMed 0.00001.
gnomAD v4.1: 9 of 1,613,692 alleles (0.00056%); highest among the groups gnomAD compares: Non-Finnish European, 0.00076%; no homozygotes.

Submissions (3):

Labcorp Genetics (formerly Invitae), Labcorp
Classification: Uncertain significance for Aortic aneurysm, familial thoracic 7. Last evaluated: 2025-11-04. Review status: criteria provided, single submitter. Criteria: Invitae Variant Classification Sherloc (09022015). Collection method: clinical testing. Allele origin: germline.
Comment: This sequence change replaces cysteine, which is neutral and slightly polar, with phenylalanine, which is neutral and non-polar, at codon 1339 of the MYLK protein (p.Cys1339Phe). This variant is present in population databases (rs749921840, gnomAD 0.002%). This variant has not been reported in the literature in individuals affected with MYLK-related conditions. ClinVar contains an entry for this variant (Variation ID: 471729). Invitae Evidence Modeling of protein sequence and biophysical properties (such as structural, functional, and spatial information, amino acid conservation, physicochemical variation, residue mobility, and thermodynamic stability) indicates that this missense variant is not expected to disrupt MYLK protein function with a negative predictive value of 80%. In summary, the available evidence is currently insufficient to determine the role of this variant in disease. Therefore, it has been classified as a Variant of Uncertain Significance.

Ambry Genetics
Classification: Uncertain significance for Familial thoracic aortic aneurysm and aortic dissection. Last evaluated: 2023-11-22. Review status: criteria provided, single submitter. Criteria: Ambry Variant Classification Scheme 2023. Collection method: clinical testing. Allele origin: germline.
Comment: The p.C1339F variant (also known as c.4016G>T), located in coding exon 21 of the MYLK gene, results from a G to T substitution at nucleotide position 4016. The cysteine at codon 1339 is replaced by phenylalanine, an amino acid with highly dissimilar properties. This amino acid position is conserved. In addition, the in silico prediction for this alteration is inconclusive. Since supporting evidence is limited at this time, the clinical significance of this alteration remains unclear.

GeneDx
Classification: Uncertain significance. Last evaluated: 2022-11-09. Review status: criteria provided, single submitter. Criteria: GeneDx Variant Classification Process June 2021. Collection method: clinical testing. Allele origin: germline. Affected: yes.
Comment: Not observed at significant frequency in large population cohorts (gnomAD); In silico analysis supports that this missense variant has a deleterious effect on protein structure/function; Has not been previously published as pathogenic or benign to our knowledge

NM_053025.4(MYLK):c.4016G>T (p.Cys1339Phe)

Gene: MYLK (myosin light chain kinase; minus strand). Cytogenetic location: 3q21.1.
Variant type: single nucleotide variant.
Coding change: c.4016G>T on transcript NM_053025.4 (MANE Select); coding-DNA position 4016, G replaced by T.
Protein change: p.Cys1339Phe; replaces cysteine 1339 with phenylalanine.
Molecular consequence: missense variant.
Genome position (GRCh38, 1-based): chr3:123,657,398, C>A on the plus strand (G>T on the coding strand, the complement: MYLK is on the minus strand). VCF-style: chr3-123657398-C-A. GRCh37 (hg19) VCF-style: chr3-123376245-C-A.
Other names: c.3809G>T, p.Cys1270Phe (NM_053026.4, NM_053028.4); c.4016G>T, p.Cys1339Phe (NM_053027.4); c.3488G>T, p.Cys1163Phe (NM_001321309.2); short protein forms C1339F, C1163F, C1270F.
Identifiers: ClinVar variation 471729 (VCV000471729.8), dbSNP rs749921840, ClinGen allele CA070829.
Genomic context (GRCh38, chr3:123,657,398, plus strand): 5'-CCATCATATGAGGAGCCATACCAGGACAGGGTCAGTGAGGAGCTCCGAATGTCAGAGGCA[C>A]AAGGTGTGCCAGCTGGGGGGTCTGGCTTATCTGGGGATAAAGAAGCACAACATCACCCAC-3'
Protein context (NP_444253.3, residues 1329-1349): DKPDPPAGTP[Cys1339Phe]ASDIRSSSLT